The following is an entry in ClinVar:

NM_032242.4(PLXNA1):c.1556C>T (p.Thr519Met)

Gene: PLXNA1 (plexin A1; plus strand). Cytogenetic location: 3q21.3.
Variant type: single nucleotide variant.
Coding change: c.1556C>T on transcript NM_032242.4 (MANE Select); coding-DNA position 1556, C replaced by T.
Protein change: p.Thr519Met; replaces threonine 519 with methionine.
Molecular consequence: missense variant.
Genome position (GRCh38, 1-based): chr3:127,004,648, C>T. VCF-style: chr3-127004648-C-T. GRCh37 (hg19) VCF-style: chr3-126723491-C-T.
Other names: short protein forms T519M.
Identifiers: ClinVar variation 2634155 (VCV002634155.6), dbSNP rs553760506, ClinGen allele CA2593285.

ClinVar aggregate classification (germline): Conflicting classifications of pathogenicity. Review status: criteria provided, conflicting classifications (1 of 4 stars). 2 submissions from 2 submitters: Uncertain significance (1); Likely benign (1). Last evaluated 2025-11-17.

Conditions:
PLXNA1-related disorder. Also called: PLXNA1-related condition.

Allele frequency attached by ClinVar (database versions not stated): TOPMed 0.00002; gnomAD 0.00005; gnomAD exomes 0.00008; 1000 Genomes Project 30x 0.00047; ExAC 0.00060; 1000 Genomes Project 0.00080.
gnomAD v4.1: 129 of 1,584,492 alleles (0.0081%); highest among the groups gnomAD compares: South Asian, 0.11%; 2 homozygotes.

Submissions (2):

PreventionGenetics, part of Exact Sciences
Classification: Uncertain significance for PLXNA1-related condition. Last evaluated: 2025-11-17. Review status: criteria provided, single submitter. Criteria: ACMG Guidelines, 2015. Collection method: clinical testing. Allele origin: germline.
Comment: The PLXNA1 c.1556C>T variant is predicted to result in the amino acid substitution p.Thr519Met. This variant has been reported in 0.04% of individuals with Parkinson disease in a population study (Table S1, Li et al. 2023. PubMed ID: 37397528). This variant is reported in 0.15% of alleles, including one homozygote, in individuals of South Asian descent in gnomAD. Although we suspect that this variant may be benign, at this time, the clinical significance of this variant is uncertain due to the absence of conclusive functional and genetic evidence.

Labcorp Genetics (formerly Invitae), Labcorp
Classification: Likely benign. Last evaluated: 2024-02-05. Review status: criteria provided, single submitter. Criteria: Invitae Variant Classification Sherloc (09022015). Collection method: clinical testing. Allele origin: germline.